The following is an entry in ClinVar:

NM_024652.6(LRRK1):c.2012CCA[1] (p.Thr672del)

Gene: LRRK1 (leucine rich repeat kinase 1; plus strand). Cytogenetic location: 15q26.3.
Variant type: Microsatellite.
Coding change: c.2012CCA[1] on transcript NM_024652.6 (MANE Select); one copy of the 3-base unit CCA starting at c.2012; the reference has two copies in a row; one copy, 3 bases deleted.
Protein change: p.Thr672del; deletes threonine 672.
Molecular consequence: inframe deletion.
Genome position (GRCh38, 1-based): chr15:101,022,545-101,022,547, CCA deleted; deleting any 3 consecutive bases within chr15:101,022,542-101,022,547 gives the same sequence; the position shown is the placement nearest the transcript's 3' end. VCF-style (leftmost placement, unchanged base first): chr15-101022541-GCCA-G. GRCh37 (hg19) VCF-style: chr15-101562746-GCCA-G.
Other names: short protein forms T672del.
Identifiers: ClinVar variation 1445554 (VCV001445554.5), dbSNP rs745630986, ClinGen allele CA7761093.

ClinVar aggregate classification (germline): Uncertain significance (1 of 4 stars; one submission).

Submission:

Labcorp Genetics (formerly Invitae), Labcorp
Classification: Uncertain significance. Last evaluated: 2022-09-26. Review status: criteria provided, single submitter. Criteria: Invitae Variant Classification Sherloc (09022015). Collection method: clinical testing. Allele origin: germline.
Comment: This variant, c.2015_2017del, results in the deletion of 1 amino acid(s) of the LRRK1 protein (p.Thr672del), but otherwise preserves the integrity of the reading frame. This variant is present in population databases (rs745630986, gnomAD 0.1%). This variant has not been reported in the literature in individuals affected with LRRK1-related conditions. Experimental studies and prediction algorithms are not available or were not evaluated, and the functional significance of this variant is currently unknown. In summary, the available evidence is currently insufficient to determine the role of this variant in disease. Therefore, it has been classified as a Variant of Uncertain Significance.